The following is an entry in ClinVar:

NM_001605.3(AARS1):c.1840G>T (p.Ala614Ser)

Gene: AARS1 (alanyl-tRNA synthetase 1; minus strand). Cytogenetic location: 16q22.1.
Variant type: single nucleotide variant.
Coding change: c.1840G>T on transcript NM_001605.3 (MANE Select); coding-DNA position 1840, G replaced by T.
Protein change: p.Ala614Ser; replaces alanine 614 with serine.
Molecular consequence: missense variant.
Genome position (GRCh38, 1-based): chr16:70,259,132, C>A on the plus strand (G>T on the coding strand, the complement: AARS1 is on the minus strand). VCF-style: chr16-70259132-C-A. GRCh37 (hg19) VCF-style: chr16-70293035-C-A.
Other names: short protein forms A614S.
Identifiers: ClinVar variation 937519 (VCV000937519.8), dbSNP rs780198710, ClinGen allele CA8140648.
Genomic context (GRCh38, chr16:70,259,132, plus strand): 5'-GGCGGTCAGGAGCAACCAATGAGCCTTTCTGGTCAGCTTCCCCAAGCACTGAGCGCAGGG[C>A]GAAGTTCAGAATGTGCGTAGCTGTGTGGTTGCTCATGATGGGTCTTCGTCGGGGCTGGAA-3'
Protein context (NP_001596.2, residues 604-624): NHTATHILNF[Ala614Ser]LRSVLGEADQ

ClinVar aggregate classification (germline): Uncertain significance. Review status: criteria provided, multiple submitters, no conflicts (2 of 4 stars). 2 submissions from 2 submitters: Uncertain significance (2). Last evaluated 2025-10-21.

Conditions:
Inborn genetic diseases. Identifiers: MedGen C0950123, MeSH D030342.
Charcot-Marie-Tooth disease type 2. Also called: Charcot-Marie-Tooth type 2. Identifiers: Orphanet 64746, MedGen C0270914, MONDO:0018993.

Allele frequency attached by ClinVar (database versions not stated): gnomAD 0.00001; TOPMed 0.00003; ExAC 0.00003.
gnomAD v4.1: 21 of 1,613,986 alleles (0.0013%); highest among the groups gnomAD compares: Non-Finnish European, 0.0016%; no homozygotes.

Submissions (2):

Ambry Genetics
Classification: Uncertain significance for Inborn genetic diseases. Last evaluated: 2025-10-21. Review status: criteria provided, single submitter. Criteria: Ambry Variant Classification Scheme 2023. Collection method: clinical testing. Allele origin: germline.

Labcorp Genetics (formerly Invitae), Labcorp
Classification: Uncertain significance for Charcot-Marie-Tooth disease type 2. Last evaluated: 2025-06-09. Review status: criteria provided, single submitter. Criteria: Invitae Variant Classification Sherloc (09022015). Collection method: clinical testing. Allele origin: germline.
Comment: This sequence change replaces alanine, which is neutral and non-polar, with serine, which is neutral and polar, at codon 614 of the AARS protein (p.Ala614Ser). This variant is present in population databases (rs780198710, gnomAD 0.004%). This variant has not been reported in the literature in individuals affected with AARS-related conditions. ClinVar contains an entry for this variant (Variation ID: 937519). Invitae Evidence Modeling of protein sequence and biophysical properties (such as structural, functional, and spatial information, amino acid conservation, physicochemical variation, residue mobility, and thermodynamic stability) indicates that this missense variant is not expected to disrupt AARS protein function with a negative predictive value of 95%. In summary, the available evidence is currently insufficient to determine the role of this variant in disease. Therefore, it has been classified as a Variant of Uncertain Significance.